The following is an entry in ClinVar:

NM_001384474.1(LOXHD1):c.134A>C (p.Tyr45Ser)

Gene: LOXHD1 (lipoxygenase homology PLAT domains 1; minus strand). Cytogenetic location: 18q21.1.
Variant type: single nucleotide variant.
Coding change: c.134A>C on transcript NM_001384474.1 (MANE Select); coding-DNA position 134, A replaced by C.
Protein change: p.Tyr45Ser; replaces tyrosine 45 with serine.
Molecular consequence: missense variant.
Genome position (GRCh38, 1-based): chr18:46,649,266, T>G on the plus strand (A>C on the coding strand, the complement: LOXHD1 is on the minus strand). VCF-style: chr18-46649266-T-G. GRCh37 (hg19) VCF-style: chr18-44229229-T-G.
Other names: c.134A>C, p.Tyr45Ser (NM_144612.7); short protein forms Y45S.
Identifiers: ClinVar variation 3896183 (VCV003896183.2).

ClinVar aggregate classification (germline): Uncertain significance (1 of 4 stars; one submission).

Submission:

Women's Health and Genetics/Laboratory Corporation of America, LabCorp
Classification: Uncertain significance. Last evaluated: 2025-04-18. Review status: criteria provided, single submitter. Criteria: LabCorp Variant Classification Summary - May 2015. Collection method: clinical testing. Allele origin: germline.
Comment: Variant summary: LOXHD1 c.134A>C (p.Tyr45Ser) results in a non-conservative amino acid change in the encoded protein sequence. Five of five in-silico tools predict a damaging effect of the variant on protein function. The frequency data for this variant in gnomAD is considered unreliable, as metrics indicate poor data quality at this position. c.134A>C has been observed in compound heterozygous individual(s) affected with Nonsyndromic Hearing Loss And Deafness, Type 77 (Jin_2022). These data do not allow any conclusion about variant significance. To our knowledge, no experimental evidence demonstrating an impact on protein function has been reported. The following publication has been ascertained in the context of this evaluation (PMID: 35062939). No submitters have cited clinical-significance assessments for this variant to ClinVar. Based on the evidence outlined above, the variant was classified as uncertain significance.

Literature cited by the submitters: PubMed 35062939.